The following is an entry in ClinVar:

ClinVar aggregate classification (germline): Uncertain significance (1 of 4 stars; one submission).

Conditions:
Atrioventricular septal defect 4 (AVSD4). Identifiers: MedGen C3280781, MONDO:0013747, OMIM 614430.

Allele frequency attached by ClinVar (database versions not stated): TOPMed below 0.00001; gnomAD exomes 0.00001; gnomAD 0.00001.
gnomAD v4.1: 16 of 1,492,218 alleles (0.0011%); highest among the groups gnomAD compares: Non-Finnish European, 0.0014%; no homozygotes.

Submission:

Labcorp Genetics (formerly Invitae), Labcorp
Classification: Uncertain significance for Atrioventricular septal defect 4. Last evaluated: 2025-05-27. Review status: criteria provided, single submitter. Criteria: Invitae Variant Classification Sherloc (09022015). Collection method: clinical testing. Allele origin: germline.
Comment: This sequence change replaces serine, which is neutral and polar, with phenylalanine, which is neutral and non-polar, at codon 61 of the GATA4 protein (p.Ser61Phe). This variant is not present in population databases (gnomAD no frequency). This missense change has been observed in individual(s) with sudden death (PMID: 28986455). ClinVar contains an entry for this variant (Variation ID: 2730951). Invitae Evidence Modeling of protein sequence and biophysical properties (such as structural, functional, and spatial information, amino acid conservation, physicochemical variation, residue mobility, and thermodynamic stability) indicates that this missense variant is not expected to disrupt GATA4 protein function with a negative predictive value of 95%. In summary, the available evidence is currently insufficient to determine the role of this variant in disease. Therefore, it has been classified as a Variant of Uncertain Significance.

Literature cited by the submitters: PubMed 28986455.

NM_001308093.3(GATA4):c.182C>T (p.Ser61Phe)

Gene: GATA4 (GATA binding protein 4). Cytogenetic location: 8p23.1.
Variant type: single nucleotide variant.
Coding change: c.182C>T on transcript NM_001308093.3 (MANE Select); coding-DNA position 182, C replaced by T.
Protein change: p.Ser61Phe; replaces serine 61 with phenylalanine.
Molecular consequence: missense variant. On other transcripts: intron variant (3).
Genome position (GRCh38, 1-based): chr8:11,708,494, C>T. VCF-style: chr8-11708494-C-T. GRCh37 (hg19) VCF-style: chr8-11566003-C-T.
Other names: c.182C>T, p.Ser61Phe (NM_002052.5); c.-6+7716C>T (NM_001308094.2); c.-3+480C>T (NM_001374274.1); c.-3+4190C>T (NM_001374273.1); short protein forms S61F.
Identifiers: ClinVar variation 2730951 (VCV002730951.3), dbSNP rs1191358899, ClinGen allele CA370309096.